The following is an entry in ClinVar:

ClinVar aggregate classification (germline): Uncertain significance (1 of 4 stars; one submission).

Submission:

GeneDx
Classification: Uncertain significance. Last evaluated: 2019-07-18. Review status: criteria provided, single submitter. Criteria: GeneDx Variant Classification Process June 2021. Collection method: clinical testing. Allele origin: germline. Affected: yes.
Comment: Has not been previously published as pathogenic or benign to our knowledge; Not observed in large population cohorts (Lek et al., 2016); In silico analysis, which includes protein predictors and evolutionary conservation, supports that this variant does not alter protein structure/function

NM_000094.4(COL7A1):c.2252T>A (p.Val751Glu)

Gene: COL7A1 (collagen type VII alpha 1 chain; minus strand). Cytogenetic location: 3p21.31.
Variant type: single nucleotide variant.
Coding change: c.2252T>A on transcript NM_000094.4 (MANE Select); coding-DNA position 2252, T replaced by A.
Protein change: p.Val751Glu; replaces valine 751 with glutamic acid.
Molecular consequence: missense variant.
Genome position (GRCh38, 1-based): chr3:48,589,389, A>T on the plus strand (T>A on the coding strand, the complement: COL7A1 is on the minus strand). VCF-style: chr3-48589389-A-T. GRCh37 (hg19) VCF-style: chr3-48626822-A-T.
Other names: short protein forms V751E.
Identifiers: ClinVar variation 1307146 (VCV001307146.2), dbSNP rs2107772444, ClinGen allele CA352724153.
Genomic context (GRCh38, chr3:48,589,389, plus strand): 5'-GTCCTCACAACCACAGAGGCAGGGGGCCCATCCACGCCAGCCACATGGGCCCTCACATGC[A>T]CCGTATACTCAGTATCTGGCTCCAGTCCATCCAGCTCAGCCACCGTGGCCTCCCCAGAAA-3'
Protein context (NP_000085.1, residues 741-761): DGLEPDTEYT[Val751Glu]HVRAHVAGVD